The following is an entry in ClinVar:

ClinVar aggregate classification (germline): Uncertain significance (1 of 4 stars; one submission).

Conditions:
Fanconi anemia (FA). Also called: Fanconi's anemia. Identifiers: Orphanet 84, MedGen C0015625, MeSH D005199, MONDO:0019391.

gnomAD v4.1: 8 of 1,614,138 alleles (0.0005%); highest among the groups gnomAD compares: Non-Finnish European, 0.00068%; no homozygotes.

Submission:

Labcorp Genetics (formerly Invitae), Labcorp
Classification: Uncertain significance for Fanconi anemia. Last evaluated: 2024-12-17. Review status: criteria provided, single submitter. Criteria: Invitae Variant Classification Sherloc (09022015). Collection method: clinical testing. Allele origin: germline.
Comment: This sequence change replaces leucine, which is neutral and non-polar, with phenylalanine, which is neutral and non-polar, at codon 1386 of the FANCA protein (p.Leu1386Phe). This variant is not present in population databases (gnomAD no frequency). This variant has not been reported in the literature in individuals affected with FANCA-related conditions. Invitae Evidence Modeling of protein sequence and biophysical properties (such as structural, functional, and spatial information, amino acid conservation, physicochemical variation, residue mobility, and thermodynamic stability) indicates that this missense variant is not expected to disrupt FANCA protein function with a negative predictive value of 95%. In summary, the available evidence is currently insufficient to determine the role of this variant in disease. Therefore, it has been classified as a Variant of Uncertain Significance.

NM_000135.4(FANCA):c.4156C>T (p.Leu1386Phe)

Genes: FANCA (FA complementation group A; minus strand), ZNF276 (zinc finger protein 276; plus strand). Cytogenetic location: 16q24.3.
Variant type: single nucleotide variant.
Coding change: c.4156C>T on transcript NM_000135.4 (MANE Select); coding-DNA position 4156, C replaced by T.
Protein change: p.Leu1386Phe; replaces leucine 1386 with phenylalanine.
Molecular consequence: missense variant. On other transcripts: 3 prime UTR variant (2), non-coding transcript variant (4).
Genome position (GRCh38, 1-based): chr16:89,739,144, G>A on the plus strand (C>T on the coding strand, the complement: FANCA is on the minus strand). VCF-style: chr16-89739144-G-A. GRCh37 (hg19) VCF-style: chr16-89805552-G-A.
Other names: c.4156C>T, p.Leu1386Phe (NM_001286167.3); c.*898G>A (NM_001113525.2, NM_152287.4); short protein forms L1386F.
Identifiers: ClinVar variation 3632024 (VCV003632024.2).